The following is an entry in ClinVar:

ClinVar aggregate classification (germline): Conflicting classifications of pathogenicity. Review status: criteria provided, conflicting classifications (1 of 4 stars). 2 submissions from 2 submitters: Uncertain significance (1); Likely benign (1). Last evaluated 2025-03-26.

Conditions:
Inborn genetic diseases. Identifiers: MedGen C0950123, MeSH D030342.
Fanconi anemia (FA). Also called: Fanconi's anemia. Identifiers: Orphanet 84, MedGen C0015625, MeSH D005199, MONDO:0019391.

Allele frequency attached by ClinVar (database versions not stated): gnomAD 0.00001; ExAC 0.00001.
gnomAD v4.1: 2 of 1,614,056 alleles (0.00012%); highest among the groups gnomAD compares: Admixed American, 0.0033%; no homozygotes.

Submissions (2):

Ambry Genetics
Classification: Likely benign for Inborn genetic diseases. Last evaluated: 2025-03-26. Review status: criteria provided, single submitter. Criteria: Ambry Variant Classification Scheme 2023. Collection method: clinical testing. Allele origin: germline.

Labcorp Genetics (formerly Invitae), Labcorp
Classification: Uncertain significance for Fanconi anemia. Last evaluated: 2024-12-02. Review status: criteria provided, single submitter. Criteria: Invitae Variant Classification Sherloc (09022015). Collection method: clinical testing. Allele origin: germline.
Comment: This sequence change replaces leucine, which is neutral and non-polar, with serine, which is neutral and polar, at codon 191 of the FANCG protein (p.Leu191Ser). This variant is present in population databases (rs755361015, gnomAD 0.003%). This variant has not been reported in the literature in individuals affected with FANCG-related conditions. ClinVar contains an entry for this variant (Variation ID: 2057492). Invitae Evidence Modeling of protein sequence and biophysical properties (such as structural, functional, and spatial information, amino acid conservation, physicochemical variation, residue mobility, and thermodynamic stability) indicates that this missense variant is not expected to disrupt FANCG protein function with a negative predictive value of 80%. In summary, the available evidence is currently insufficient to determine the role of this variant in disease. Therefore, it has been classified as a Variant of Uncertain Significance.

NM_004629.2(FANCG):c.572T>C (p.Leu191Ser)

Gene: FANCG (FA complementation group G; minus strand). Cytogenetic location: 9p13.3.
Variant type: single nucleotide variant.
Coding change: c.572T>C on transcript NM_004629.2 (MANE Select); coding-DNA position 572, T replaced by C.
Protein change: p.Leu191Ser; replaces leucine 191 with serine.
Molecular consequence: missense variant.
Genome position (GRCh38, 1-based): chr9:35,077,338, A>G on the plus strand (T>C on the coding strand, the complement: FANCG is on the minus strand). VCF-style: chr9-35077338-A-G. GRCh37 (hg19) VCF-style: chr9-35077335-A-G.
Other names: short protein forms L191S.
Identifiers: ClinVar variation 2057492 (VCV002057492.4), dbSNP rs755361015, ClinGen allele CA5040007.
Genomic context (GRCh38, chr9:35,077,338, plus strand): 5'-AATGCTGTCAGGAGGACATCCTTCAATCCCTGGGCATCCTGCAGGGTCAATGGAGCATCT[A>G]ATTCCTCAGCTGGGGGACTCCAAGTTTTCAGAAGTAACAGCAGATCCTTAGAGGCTCCAC-3'
Protein context (NP_004620.1, residues 181-201): LKTWSPPAEE[Leu191Ser]DAPLTLQDAQ